The following is an entry in ClinVar:

NM_032119.4(ADGRV1):c.2456G>A (p.Ser819Asn)

Gene: ADGRV1 (adhesion G protein-coupled receptor V1; plus strand). Cytogenetic location: 5q14.3.
Variant type: single nucleotide variant.
Coding change: c.2456G>A on transcript NM_032119.4 (MANE Select); coding-DNA position 2456, G replaced by A.
Protein change: p.Ser819Asn; replaces serine 819 with asparagine.
Molecular consequence: missense variant. On other transcripts: non-coding transcript variant (1).
Genome position (GRCh38, 1-based): chr5:90,642,944, G>A. VCF-style: chr5-90642944-G-A. GRCh37 (hg19) VCF-style: chr5-89938761-G-A.
Other names: p.Ser819Asn; short protein forms S819N.
Identifiers: ClinVar variation 158650 (VCV000158650.36), dbSNP rs182395524, ClinGen allele CA233300.

ClinVar aggregate classification (germline): Conflicting classifications of pathogenicity. Review status: criteria provided, conflicting classifications (1 of 4 stars). 9 submissions from 9 submitters: Uncertain significance (1); Likely benign (6). 2 of the submissions do not count toward it. Last evaluated 2025-11-18.

Conditions:
ADGRV1-related disorder. Also called: ADGRV1-related disorders; ADGRV1-related condition.
Febrile seizures, familial, 4 (FEB4). Also called: CONVULSIONS, FAMILIAL FEBRILE, 4. Identifiers: MedGen C1858493, MONDO:0011443, OMIM 604352.

Allele frequency attached by ClinVar (database versions not stated): gnomAD exomes 0.00012 and 0.00061; gnomAD 0.00014 and 0.00015; 1000 Genomes Project 30x 0.00016; 1000 Genomes Project 0.00020; ESP Exome Variant Server 0.00025; TOPMed 0.00026; ExAC 0.00055.
gnomAD v4.1: 200 of 1,613,526 alleles (0.012%); highest among the groups gnomAD compares: Admixed American, 0.29%; 1 homozygote.

Submissions (9):

Labcorp Genetics (formerly Invitae), Labcorp
Classification: Likely benign. Last evaluated: 2025-11-18. Review status: criteria provided, single submitter. Criteria: Invitae Variant Classification Sherloc (09022015). Collection method: clinical testing. Allele origin: germline.

Revvity Omics, Revvity
Classification: Uncertain significance. Last evaluated: 2025-07-02. Review status: criteria provided, single submitter. Criteria: ACMG Guidelines, 2015. Collection method: clinical testing. Allele origin: germline.

Blueprint Genetics
Classification: Likely benign. Last evaluated: 2024-10-15. Review status: criteria provided, single submitter. Criteria: ACMG Guidelines, 2015. Collection method: clinical testing. Allele origin: germline.

GeneDx
Classification: Likely benign. Last evaluated: 2021-04-21. Review status: criteria provided, single submitter. Criteria: GeneDx Variant Classification Process June 2021. Collection method: clinical testing. Allele origin: germline. Affected: yes.

Laboratory for Molecular Medicine, Mass General Brigham Personalized Medicine
Classification: Likely benign. Last evaluated: 2018-05-08. Review status: criteria provided, single submitter. Criteria: LMM Criteria. Collection method: clinical testing. Allele origin: germline. Observed: 1 variant allele.
Comment: p.Ser819Asn in exon 13 of ADGRV1: This variant is classified as likely benign du e to a lack of conservation across species, including mammals. Of note, rabbit h as an asparagine at this position despite nearby amino acid conservation. In add ition, computational prediction tools do not suggest a high likelihood of impact to the protein. This variant has been identified in 0.4% (147/34382) of Latino chromosomes by the Genome Aggregation Database (gnomAD; dbSNP rs182395524). ACMG/AMP Criteria applied: BS1_Supporting, BP4

ARUP Laboratories, Molecular Genetics and Genomics, ARUP Laboratories
Classification: Likely benign. Last evaluated: 2017-05-24. Review status: criteria provided, single submitter. Criteria: ARUP Molecular Germline Variant Investigation Process. Collection method: clinical testing. Allele origin: germline.
Comment: The p.Ser819Asn variant (rs182395524) has not been previously associated with hearing loss and is listed in the ClinVar database as likely benign or as a variant of uncertain significance (Variation ID: 158650). This variant is listed in the Genome Aggregation Database (gnomAD) browser with a frequency in Latino populations of 0.428% (identified in 147 out of 34,382 chromosomes). The serine at codon 819 is highly conserved (Alamut software v2.9); however, avian species have an asparagine at this position suggesting this change is evolutionary tolerated. Furthermore, due to similar physiochemical properties between serine and asparagine, computational analyses suggest this variant does not have a significant effect on ADGRV1 protein structure/function (SIFT: tolerated, PolyPhen2: benign, and Mutation Taster: polymorphism).Thus, the p.Ser819Asn variant is likely to be benign.

Eurofins Ntd Llc (ga)
Classification: Likely benign. Last evaluated: 2016-09-01. Review status: criteria provided, single submitter. Criteria: EGL Classification Definitions 2015. Collection method: clinical testing. Allele origin: germline. Observed: 2 variant alleles, 2 heterozygotes.

PreventionGenetics, part of Exact Sciences
Classification: Likely benign for ADGRV1-related condition. Last evaluated: 2020-01-30. Review status: no assertion criteria provided. Collection method: clinical testing. Allele origin: germline. Not counted in ClinVar's aggregate classification.
Comment: This variant is classified as likely benign based on ACMG/AMP sequence variant interpretation guidelines (Richards et al. 2015 PMID: 25741868, with internal and published modifications).

Genetic Services Laboratory, University of Chicago
Classification: Uncertain significance for Febrile seizures, familial, 4. Last evaluated: 2013-08-27. Review status: flagged submission. Criteria: ACMG Guidelines, 2007. Collection method: clinical testing. Allele origin: germline. Inheritance: Autosomal dominant inheritance. Not counted in ClinVar's aggregate classification.
ClinVar note: Reason: Older and outlier claim with insufficient supporting evidence